The following is an entry in ClinVar:

NM_000059.4(BRCA2):c.5099G>T (p.Gly1700Val)

Gene: BRCA2 (BRCA2 DNA repair associated; plus strand). Cytogenetic location: 13q13.1.
Variant type: single nucleotide variant.
Coding change: c.5099G>T on transcript NM_000059.4 (MANE Select); coding-DNA position 5099, G replaced by T.
Protein change: p.Gly1700Val; replaces glycine 1700 with valine.
Molecular consequence: missense variant.
Genome position (GRCh38, 1-based): chr13:32,339,454, G>T. VCF-style: chr13-32339454-G-T. GRCh37 (hg19) VCF-style: chr13-32913591-G-T.
Other names: short protein forms G1700V.
Identifiers: ClinVar variation 927175 (VCV000927175.9), dbSNP rs2072520161, ClinGen allele CA387784120.

ClinVar aggregate classification (germline): Conflicting classifications of pathogenicity. Review status: criteria provided, conflicting classifications (1 of 4 stars). 4 submissions from 4 submitters: Uncertain significance (2); Likely benign (2). Last evaluated 2025-09-04.

Conditions:
Hereditary cancer-predisposing syndrome. Also called: Neoplastic Syndromes, Hereditary; Hereditary Cancer Syndrome; Tumor predisposition; Hereditary neoplastic syndrome. Identifiers: Orphanet 140162, MedGen C0027672, MeSH D009386, MONDO:0015356.
Hereditary breast ovarian cancer syndrome. Also called: Hereditary breast and ovarian cancer syndrome; Hereditary breast and ovarian cancer syndrome (HBOC); Hereditary breast and/or ovarian cancer syndrome; Hereditary breast and ovarian cancer; Breast and ovarian cancer; BRCA1- and BRCA2-Associated Hereditary Breast and Ovarian Cancer. Identifiers: Orphanet 145, MedGen C0677776, MeSH D061325, MONDO:0003582. Disease mechanism: loss of function.

Submissions (4):

Ambry Genetics
Classification: Likely benign for Hereditary cancer-predisposing syndrome. Last evaluated: 2025-09-04. Review status: criteria provided, single submitter. Criteria: Ambry Variant Classification Scheme 2023. Collection method: clinical testing. Allele origin: germline.

Labcorp Genetics (formerly Invitae), Labcorp
Classification: Uncertain significance for Hereditary breast ovarian cancer syndrome. Last evaluated: 2023-09-30. Review status: criteria provided, single submitter. Criteria: Invitae Variant Classification Sherloc (09022015). Collection method: clinical testing. Allele origin: germline.
Comment: In summary, the available evidence is currently insufficient to determine the role of this variant in disease. Therefore, it has been classified as a Variant of Uncertain Significance. Advanced modeling of protein sequence and biophysical properties (such as structural, functional, and spatial information, amino acid conservation, physicochemical variation, residue mobility, and thermodynamic stability) performed at Invitae indicates that this missense variant is not expected to disrupt BRCA2 protein function. ClinVar contains an entry for this variant (Variation ID: 927175). This variant has not been reported in the literature in individuals affected with BRCA2-related conditions. This variant is not present in population databases (gnomAD no frequency). This sequence change replaces glycine, which is neutral and non-polar, with valine, which is neutral and non-polar, at codon 1700 of the BRCA2 protein (p.Gly1700Val).

University of Washington Department of Laboratory Medicine, University of Washington
Classification: Likely benign for Hereditary cancer-predisposing syndrome. Last evaluated: 2023-03-23. Review status: criteria provided, single submitter. Criteria: Dines et al. (Genet Med. 2020). Collection method: curation. Allele origin: germline.
Comment: Missense variant in a coldspot region where missense variants are very unlikely to be pathogenic (PMID:31911673).

BRCA2 exon 11 coldspot. Reclassification based on statistical prior probability.

Color Diagnostics, LLC DBA Color Health
Classification: Uncertain significance for Hereditary cancer-predisposing syndrome. Last evaluated: 2019-06-19. Review status: criteria provided, single submitter. Criteria: ACMG Guidelines, 2015. Collection method: clinical testing. Allele origin: germline.